The following is an entry in ClinVar:

ClinVar aggregate classification (germline): Benign/Likely benign. Review status: criteria provided, multiple submitters, no conflicts (2 of 4 stars). 25 submissions from 20 submitters: Benign (20); Likely benign (2). 3 of the submissions do not count toward it. Last evaluated 2026-05-14.

Conditions:
Hereditary cancer-predisposing syndrome. Also called: Tumor predisposition; Neoplastic Syndromes, Hereditary; Hereditary neoplastic syndrome; Hereditary Cancer Syndrome. Identifiers: Orphanet 140162, MedGen C0027672, MeSH D009386, MONDO:0015356.
Cardiovascular phenotype. Identifiers: MedGen CN230736.
Neurofibromatosis, familial spinal (FSNF). Identifiers: Orphanet 636, MedGen C1834235, MONDO:0008078, OMIM 162210. Disease mechanism: loss of function.
Neurofibromatosis-Noonan syndrome (NFNS). Also called: NEUROFIBROMATOSIS WITH NOONAN PHENOTYPE. Identifiers: Orphanet 638, MedGen C2931482, MONDO:0011035, OMIM 601321. Disease mechanism: loss of function.
Neurofibromatosis, type 1 (NF1). Also called: NEUROFIBROMATOSIS, TYPE I, SOMATIC; Peripheral type neurofibromatosis; VON RECKLINGHAUSEN DISEASE; Neurofibromatosis, type I. Identifiers: Orphanet 636, MedGen C0027831, MONDO:0018975, OMIM 162200. Disease mechanism: loss of function.
Café-au-lait macules with pulmonary stenosis (WTSN). Also called: PULMONIC STENOSIS WITH CAFE-AU-LAIT SPOTS. Identifiers: MedGen C0553586, MONDO:0008672, OMIM 193520.
Juvenile myelomonocytic leukemia (JMML). Also called: LEUKEMIA, JUVENILE MYELOMONOCYTIC, SOMATIC. Identifiers: Orphanet 86834, MedGen C0349639, MONDO:0011908, OMIM 607785, HP:0012209.

Allele frequency attached by ClinVar (database versions not stated): 1000 Genomes Project 0.00459; 1000 Genomes Project 30x 0.00547; ExAC 0.01195; gnomAD exomes 0.01195 and 0.01992; TOPMed 0.01271; gnomAD 0.01331 and 0.01374; ESP Exome Variant Server 0.01507.
gnomAD v4.1: 30,904 of 1,613,212 alleles (1.9%); highest among the groups gnomAD compares: Non-Finnish European, 2.4%; 328 homozygotes.

Submissions (25):

Myriad Genetics, Inc.
Classification: Benign for Neurofibromatosis, type 1. Last evaluated: 2026-05-14. Review status: criteria provided, single submitter. Criteria: Myriad Autosomal Dominant, Autosomal Recessive and X-Linked Classification Criteria (2023). Collection method: clinical testing. Allele origin: unknown.
Comment: This variant is considered benign. This variant is a silent/synonymous amino acid change and it is not expected to impact splicing.

Labcorp Genetics (formerly Invitae), Labcorp
Classification: Benign for Neurofibromatosis, type 1. Last evaluated: 2026-02-04. Review status: criteria provided, single submitter. Criteria: Invitae Variant Classification Sherloc (09022015). Collection method: clinical testing. Allele origin: germline.

Mayo Clinic Laboratories, Mayo Clinic
Classification: Likely benign. Last evaluated: 2025-11-24. Review status: criteria provided, single submitter. Criteria: ACMG Guidelines, 2015. Collection method: clinical testing. Allele origin: germline. Observed: 51 variant alleles.
Comment: BS1, BP2, BP4, BP7

ARUP Laboratories, Molecular Genetics and Genomics, ARUP Laboratories
Classification: Benign. Last evaluated: 2025-07-29. Review status: criteria provided, single submitter. Criteria: ARUP Molecular Germline Variant Investigation Process 2024. Collection method: clinical testing. Allele origin: germline.

Center for Genomic Medicine, Rigshospitalet, Copenhagen University Hospital
Classification: Benign. Last evaluated: 2025-03-04. Review status: criteria provided, single submitter. Criteria: ACMG Guidelines, 2015. Collection method: clinical testing. Allele origin: germline.

KCCC/NGS Laboratory, Kuwait Cancer Control Center
Classification: Benign for Neurofibromatosis, type 1. Last evaluated: 2025-02-01. Review status: criteria provided, single submitter. Criteria: ACMG Guidelines, 2015. Collection method: clinical testing. Allele origin: germline. Affected: no.

Blueprint Genetics
Classification: Likely benign. Last evaluated: 2024-11-25. Review status: criteria provided, single submitter. Criteria: ACMG Guidelines, 2015. Collection method: clinical testing. Allele origin: germline.

KCCC/NGS Laboratory, Kuwait Cancer Control Center
Classification: Benign for Neurofibromatosis, familial spinal. Last evaluated: 2023-07-07. Review status: criteria provided, single submitter. Criteria: ACMG Guidelines, 2015. Collection method: clinical testing. Allele origin: germline. Affected: yes.

Genome-Nilou Lab
Classification: Benign for Neurofibromatosis, type 1. Last evaluated: 2022-03-15. Review status: criteria provided, single submitter. Criteria: ACMG Guidelines, 2015. Collection method: clinical testing. Allele origin: germline. Affected: no.

Department of Pathology and Laboratory Medicine, Sinai Health System
Classification: Benign for Neurofibromatosis, type 1; Neurofibromatosis, familial spinal; Café-au-lait macules with pulmonary stenosis; Neurofibromatosis-Noonan syndrome; Juvenile myelomonocytic leukemia. Last evaluated: 2021-07-26. Review status: criteria provided, single submitter. Criteria: ACMG Guidelines, 2015. Collection method: clinical testing. Allele origin: germline. Affected: yes.

Genome Diagnostics Laboratory, The Hospital for Sick Children
Classification: Benign for Neurofibromatosis, type 1. Last evaluated: 2020-10-26. Review status: criteria provided, single submitter. Criteria: ACMG Guidelines, 2015. Collection method: clinical testing. Allele origin: germline. Affected: yes.

Illumina Laboratory Services, Illumina
Classification: Benign for Neurofibromatosis-Noonan syndrome. Last evaluated: 2018-01-13. Review status: criteria provided, single submitter. Criteria: ICSL Variant Classification Criteria 13 December 2019. Collection method: clinical testing. Allele origin: germline.
Comment: This variant was observed in the ICSL laboratory as part of a predisposition screen in an ostensibly healthy population. It had not been previously curated by ICSL or reported in the Human Gene Mutation Database (HGMD: prior to June 1st, 2018), and was therefore a candidate for classification through an automated scoring system. Utilizing variant allele frequency, disease prevalence and penetrance estimates, and inheritance mode, an automated score was calculated to assess if this variant is too frequent to cause the disease. Based on the score and internal cut-off values, a variant classified as benign is not then subjected to further curation. The score for this variant resulted in a classification of benign for this disease.

Illumina Laboratory Services, Illumina
Classification: Benign for Neurofibromatosis, familial spinal. Last evaluated: 2018-01-13. Review status: criteria provided, single submitter. Criteria: ICSL Variant Classification Criteria 13 December 2019. Collection method: clinical testing. Allele origin: germline.
Comment: the same text as in the submission from Illumina Laboratory Services, Illumina above.

Illumina Laboratory Services, Illumina
Classification: Benign for Café-au-lait macules with pulmonary stenosis. Last evaluated: 2018-01-13. Review status: criteria provided, single submitter. Criteria: ICSL Variant Classification Criteria 13 December 2019. Collection method: clinical testing. Allele origin: germline.
Comment: the same text as in the submission from Illumina Laboratory Services, Illumina above.

Illumina Laboratory Services, Illumina
Classification: Benign for Neurofibromatosis, type 1. Last evaluated: 2018-01-13. Review status: criteria provided, single submitter. Criteria: ICSL Variant Classification Criteria 13 December 2019. Collection method: clinical testing. Allele origin: germline.
Comment: the same text as in the submission from Illumina Laboratory Services, Illumina above.

GeneDx
Classification: Benign. Last evaluated: 2016-09-27. Review status: criteria provided, single submitter. Criteria: GeneDx Variant Classification (06012015). Collection method: clinical testing. Allele origin: germline. Affected: yes.
Comment: This variant is considered likely benign or benign based on one or more of the following criteria: it is a conservative change, it occurs at a poorly conserved position in the protein, it is predicted to be benign by multiple in silico algorithms, and/or has population frequency not consistent with disease.

Women's Health and Genetics/Laboratory Corporation of America, LabCorp
Classification: Benign. Last evaluated: 2016-08-31. Review status: criteria provided, single submitter. Criteria: LabCorp Variant Classification Summary - May 2015. Collection method: clinical testing. Allele origin: germline.
Comment: Variant summary: The NF1 c.168C>T (p.Ser56Ser) variant causes a synonymous change involving a non-conserved nucleotide with 5/5 splice prediction tools predicting no significant impact on splicing and ESE finder predicts the loss of ESE binding sites. The variant of interest was observed in the large, broad control population, ExAC, with an allele frequency of 1449/121304 (1/83, 14 homozygotes), which significantly exceeds the estimated maximal expected allele frequency for a pathogenic NF1 variant of 1/4798, suggesting this variant is likely a benign polymorphism. Multiple clinical diagnostic laboratories cite the variant as "benign." Therefore, the variant of interest is classified as Benign.

Ambry Genetics
Classification: Benign for Cardiovascular phenotype; Hereditary cancer-predisposing syndrome. Last evaluated: 2015-03-17. Review status: criteria provided, single submitter. Criteria: Ambry Variant Classification Scheme 2023. Collection method: clinical testing. Allele origin: germline.

Laboratory for Molecular Medicine, Mass General Brigham Personalized Medicine
Classification: Benign. Last evaluated: 2014-11-20. Review status: criteria provided, single submitter. Criteria: LMM Criteria. Collection method: clinical testing. Allele origin: germline. Observed: 24 variant alleles.
Comment: p.Ser56Ser in exon 2 of NF1: This variant is not expected to have clinical signi ficance because it does not alter an amino acid residue and is not located withi n the splice consensus sequence. It has been identified in 2% (180/8598) of Euro pean American chromosomes and 0.4% (16/4406) of African American chromosomes by the NHLBI Exome Sequencing Project (dbSNP rs1 7881168).

Ambry Genetics
Classification: Benign for Hereditary cancer-predisposing syndrome. Last evaluated: 2014-11-19. Review status: criteria provided, single submitter. Criteria: Ambry Autosomal Dominant and X-Linked criteria (10/2015). Collection method: clinical testing. Allele origin: germline. Observed: 1 variant allele.
Comment: General population or subpopulation frequency is too high to be a pathogenic mutation based on disease/syndrome prevalence and penetrance

Breakthrough Genomics
Classification: Benign. Review status: criteria provided, single submitter. Criteria: ACMG Guidelines, 2015. Collection method: not provided. Allele origin: germline. Inheritance: Autosomal dominant inheritance. Affected: yes.

PreventionGenetics, part of Exact Sciences
Classification: Benign. Review status: criteria provided, single submitter. Criteria: ACMG Guidelines, 2015. Collection method: clinical testing. Allele origin: germline.

Clinical Genetics DNA and cytogenetics Diagnostics Lab, Erasmus MC, Erasmus Medical Center
Classification: Benign. Review status: no assertion criteria provided. Collection method: clinical testing. Allele origin: germline. Affected: yes. Study: VKGL Data-share Consensus. Not counted in ClinVar's aggregate classification.

Genome Diagnostics Laboratory, Amsterdam University Medical Center
Classification: Benign. Review status: no assertion criteria provided. Collection method: clinical testing. Allele origin: germline. Affected: yes. Study: VKGL Data-share Consensus. Not counted in ClinVar's aggregate classification.

Joint Genome Diagnostic Labs from Nijmegen and Maastricht, Radboudumc and MUMC+
Classification: Benign. Review status: no assertion criteria provided. Collection method: clinical testing. Allele origin: germline. Affected: yes. Study: VKGL Data-share Consensus. Not counted in ClinVar's aggregate classification.

NM_001042492.3(NF1):c.168C>T (p.Ser56=)

Gene: NF1 (neurofibromin 1; plus strand). Cytogenetic location: 17q11.2.
Variant type: single nucleotide variant.
Coding change: c.168C>T on transcript NM_001042492.3 (MANE Select); coding-DNA position 168, C replaced by T.
Protein change: p.Ser56=; no amino-acid change (serine 56 retained).
Molecular consequence: synonymous variant.
Genome position (GRCh38, 1-based): chr17:31,156,090, C>T. VCF-style: chr17-31156090-C-T. GRCh37 (hg19) VCF-style: chr17-29483108-C-T.
Other names: p.Ser56=; c.168C>T, p.Ser56= (NM_000267.4, NM_001128147.3).
Identifiers: ClinVar variation 184126 (VCV000184126.55), dbSNP rs17881168, ClinGen allele CA187866.
Genomic context (GRCh38, chr17:31,156,090, plus strand): 5'-TGAGCACAACAAGGAATGTCTAATCAATATTTCCAAATACAAGTTTTCTTTGGTTATAAG[C>T]GGCCTCACTACTATTTTAAAGAATGTTAACAATATGGTGAGTATTTGGGTTACTGTGTTT-3'
Protein context (NP_001035957.1, residues 46-66): ISKYKFSLVI[Ser56=]GLTTILKNVN